The following is an entry in ClinVar:

NM_007294.4(BRCA1):c.5182A>T (p.Met1728Leu)

Gene: BRCA1 (BRCA1 DNA repair associated; minus strand). Cytogenetic location: 17q21.31.
Variant type: single nucleotide variant.
Coding change: c.5182A>T on transcript NM_007294.4 (MANE Select); coding-DNA position 5182, A replaced by T.
Protein change: p.Met1728Leu; replaces methionine 1728 with leucine.
Molecular consequence: missense variant. On other transcripts: non-coding transcript variant (1).
Genome position (GRCh38, 1-based): chr17:43,063,344, T>A on the plus strand (A>T on the coding strand, the complement: BRCA1 is on the minus strand). VCF-style: chr17-43063344-T-A. GRCh37 (hg19) VCF-style: chr17-41215361-T-A.
Other names: c.4969A>T, p.Met1657Leu (NM_001407571.1, NM_001407900.1, NM_001407902.1 and 12 more transcripts); c.5248A>T, p.Met1750Leu (NM_001407581.1, NM_001407582.1); c.5245A>T, p.Met1749Leu (NM_001407583.1, NM_001407585.1, NM_001407587.1 and 1 more transcripts); c.5179A>T, p.Met1727Leu (NM_001407610.1, NM_001407611.1, NM_001407612.1 and 17 more transcripts); c.5176A>T, p.Met1726Leu (NM_001407629.1, NM_001407630.1, NM_001407631.1 and 14 more transcripts); c.5122A>T, p.Met1708Leu (NM_001407649.1); c.5104A>T, p.Met1702Leu (NM_001407652.1, NM_001407653.1, NM_001407654.1 and 1 more transcripts); c.5101A>T, p.Met1701Leu (NM_001407656.1, NM_001407657.1, NM_001407658.1); and 72 more; short protein forms M1681L, M624L, M1749L, M1728L, M1431L, M1639L, M1708L, M1726L.
Identifiers: ClinVar variation 867777 (VCV000867777.3), dbSNP rs2051858497, ClinGen allele CA10591178.

Conditions:
Breast-ovarian cancer, familial, susceptibility to, 1 (BROVCA1). Also called: BRCA1 Hereditary Breast and Ovarian Cancer; OVARIAN CANCER, SUSCEPTIBILITY TO. Identifiers: Orphanet 145, MedGen C2676676, MONDO:0011450, OMIM 604370. Disease mechanism: loss of function.

Submission:

Brotman Baty Institute, University of Washington
No classification provided (evidence only). Condition: Breast-ovarian cancer, familial 1. Review status: no classification provided. Collection method: in vitro. Allele origin: not applicable. Functional consequence: functionally_normal.
ClinVar note: "not provided" was previously submitted as the classification for the variant. However, the classification appeared to be based only on an observation of functional data so it was converted to no classification on 2025-07-30.